The following is an entry in ClinVar:

NM_001943.5(DSG2):c.820A>G (p.Asn274Asp)

Gene: DSG2 (desmoglein 2; plus strand). Cytogenetic location: 18q12.1.
Variant type: single nucleotide variant.
Coding change: c.820A>G on transcript NM_001943.5 (MANE Select); coding-DNA position 820, A replaced by G.
Protein change: p.Asn274Asp; replaces asparagine 274 with aspartic acid.
Molecular consequence: missense variant.
Genome position (GRCh38, 1-based): chr18:31,524,577, A>G. VCF-style: chr18-31524577-A-G. GRCh37 (hg19) VCF-style: chr18-29104540-A-G.
Other names: short protein forms N274D.
Identifiers: ClinVar variation 3075436 (VCV003075436.2), dbSNP rs775464463, ClinGen allele CA050064.

ClinVar aggregate classification (germline): Uncertain significance. Review status: criteria provided, multiple submitters, no conflicts (2 of 4 stars). 2 submissions from 2 submitters: Uncertain significance (2). Last evaluated 2024-02-05.

Conditions:
Cardiomyopathy (CMYO). Also called: Cardiomyopathies. Identifiers: Orphanet 167848, MedGen C0878544, MONDO:0004994, HP:0001638. Inheritance: Various modes of inheritance.
Arrhythmogenic right ventricular cardiomyopathy (ARVD). Also called: Arrhythmogenic right ventricular dysplasia; Cardiomyopathy, ARVC; Arrhythmogenic cardiomyopathy; Arrhythmogenic Right Ventricular Cardiomyopathy (ARVC). Identifiers: Orphanet 247, MedGen C0349788, MeSH D019571, MONDO:0016587. Disease mechanism: loss of function. Inheritance: Various modes of inheritance.

Allele frequency attached by ClinVar (database versions not stated): TOPMed below 0.00001; ExAC 0.00001; gnomAD 0.00001.
gnomAD v4.1: 2 of 1,613,838 alleles (0.00012%); highest among the groups gnomAD compares: Non-Finnish European, 0.00017%; no homozygotes.

Submissions (2):

All of Us Research Program, National Institutes of Health
Classification: Uncertain significance for Arrhythmogenic right ventricular cardiomyopathy. Last evaluated: 2024-02-05. Review status: criteria provided, single submitter. Criteria: ACMG Guidelines, 2015. Collection method: clinical testing. Allele origin: germline. Inheritance: Autosomal dominant inheritance. Observed: 1 variant allele, 1 heterozygote.
Comment: This missense variant replaces asparagine with aspartic acid at codon 274 of the DSG2 protein. Computational prediction suggests that this variant may not impact protein structure and function (internally defined REVEL score threshold <= 0.5, PMID: 27666373). To our knowledge, functional studies have not been reported for this variant. This variant has not been reported in individuals affected with DSG2-related disorders in the literature. This variant has been identified in 1/248648 chromosomes in the general population by the Genome Aggregation Database (gnomAD). The available evidence is insufficient to determine the role of this variant in disease conclusively. Therefore, this variant is classified as a Variant of Uncertain Significance.

This study involves interpretation of variants in research participants for the purpose of population health screening. Participant phenotype was not available at the time of variant classification. Additional details can be found in publication PMID: 35346344, PMCID: PMC8962531

Color Diagnostics, LLC DBA Color Health
Classification: Uncertain significance for Cardiomyopathy. Last evaluated: 2024-01-29. Review status: criteria provided, single submitter. Criteria: ACMG Guidelines, 2015. Collection method: clinical testing. Allele origin: germline.
Comment: This missense variant replaces asparagine with aspartic acid at codon 274 of the DSG2 protein. Computational prediction suggests that this variant may not impact protein structure and function (internally defined REVEL score threshold <= 0.5, PMID: 27666373). To our knowledge, functional studies have not been reported for this variant. This variant has not been reported in individuals affected with DSG2-related disorders in the literature. This variant has been identified in 1/248648 chromosomes in the general population by the Genome Aggregation Database (gnomAD). The available evidence is insufficient to determine the role of this variant in disease conclusively. Therefore, this variant is classified as a Variant of Uncertain Significance.